The following is an entry in ClinVar:

ClinVar aggregate classification (germline): Conflicting classifications of pathogenicity. Review status: criteria provided, conflicting classifications (1 of 4 stars). 3 submissions from 3 submitters: Uncertain significance (2); Likely benign (1). Last evaluated 2026-08-20.

Conditions:
Episodic ataxia type 2 (EA2). Also called: ACETAZOLAMIDE-RESPONSIVE HEREDITARY PAROXYSMAL CEREBELLAR ATAXIA; EPISODIC ATAXIA, NYSTAGMUS-ASSOCIATED; ATAXIA, EPISODIC, WITH NYSTAGMUS; ATAXIA, FAMILIAL PAROXYSMAL; CEREBELLAR ATAXIA, PAROXYSMAL, ACETAZOLAMIDE-RESPONSIVE; CEREBELLOPATHY, HEREDITARY PAROXYSMAL. Identifiers: Orphanet 97, MedGen C1720416, MONDO:0007163, OMIM 108500.
Developmental and epileptic encephalopathy, 42 (DEE42A). Also called: DEVELOPMENTAL AND EPILEPTIC ENCEPHALOPATHY 42A; EPILEPTIC ENCEPHALOPATHY, EARLY INFANTILE, 42A; Epileptic encephalopathy, early infantile, 42. Identifiers: MedGen C4310716, MONDO:0014917, OMIM 617106.

Allele frequency attached by ClinVar (database versions not stated): gnomAD 0.00001; gnomAD exomes 0.00001 and 0.00002; TOPMed 0.00002.
gnomAD v4.1: 12 of 1,385,168 alleles (0.00087%); highest among the groups gnomAD compares: African/African-American, 0.003%; no homozygotes.

Submissions (3):

GeneDx
Classification: Uncertain significance. Last evaluated: 2026-08-20. Review status: criteria provided, single submitter. Criteria: GeneDx Variant Classification Process June 2021. Collection method: clinical testing. Allele origin: germline.
Comment: In silico analysis supports that this missense variant has a deleterious effect on protein structure/function; Has not been previously published as pathogenic or benign to our knowledge

Labcorp Genetics (formerly Invitae), Labcorp
Classification: Likely benign for Developmental and epileptic encephalopathy, 42; Episodic ataxia type 2. Last evaluated: 2025-11-12. Review status: criteria provided, single submitter. Criteria: Invitae Variant Classification Sherloc (09022015). Collection method: clinical testing. Allele origin: germline.

Athena Diagnostics
Classification: Uncertain significance. Last evaluated: 2023-06-08. Review status: criteria provided, single submitter. Criteria: Athena Diagnostics Criteria. Collection method: clinical testing. Allele origin: unknown.
Comment: Available data are insufficient to determine the clinical significance of the variant at this time. The frequency of this variant in the general population is uninformative in assessment of its pathogenicity. Computational tools disagree on the variant's effect on normal protein function.

NM_001127222.2(CACNA1A):c.6469G>A (p.Asp2157Asn)

Gene: CACNA1A (calcium voltage-gated channel subunit alpha1 A; minus strand). Cytogenetic location: 19p13.13.
Variant type: single nucleotide variant.
Coding change: c.6469G>A on transcript NM_001127222.2 (MANE Select); coding-DNA position 6469, G replaced by A.
Protein change: p.Asp2157Asn; replaces aspartic acid 2157 with asparagine.
Molecular consequence: missense variant.
Genome position (GRCh38, 1-based): chr19:13,209,369, C>T on the plus strand (G>A on the coding strand, the complement: CACNA1A is on the minus strand). VCF-style: chr19-13209369-C-T. GRCh37 (hg19) VCF-style: chr19-13320183-C-T.
Other names: c.6472G>A (NM_000068.2); c.6487G>A, p.Asp2163Asn (NM_000068.4, NM_023035.3); c.6472G>A, p.Asp2158Asn (NM_001127221.2); c.6478G>A, p.Asp2160Asn (NM_001174080.2); short protein forms D2157N, D2158N, D2160N, D2163N.
Identifiers: ClinVar variation 1438473 (VCV001438473.10), dbSNP rs1042634748, ClinGen allele CA305548082.